The following is an entry in ClinVar:

ClinVar aggregate classification (germline): Uncertain significance (1 of 4 stars; one submission).

Conditions:
Fanconi anemia (FA). Also called: Fanconi's anemia. Identifiers: Orphanet 84, MedGen C0015625, MeSH D005199, MONDO:0019391.

Allele frequency attached by ClinVar (database versions not stated): gnomAD exomes below 0.00001; ExAC 0.00001; gnomAD 0.00001; TOPMed 0.00001.
gnomAD v4.1: 2 of 1,613,916 alleles (0.00012%); highest among the groups gnomAD compares: African/African-American, 0.0027%; no homozygotes.

Submission:

Labcorp Genetics (formerly Invitae), Labcorp
Classification: Uncertain significance for Fanconi anemia. Last evaluated: 2025-03-11. Review status: criteria provided, single submitter. Criteria: Invitae Variant Classification Sherloc (09022015). Collection method: clinical testing. Allele origin: germline.
Comment: This sequence change replaces proline, which is neutral and non-polar, with alanine, which is neutral and non-polar, at codon 1572 of the SLX4 protein (p.Pro1572Ala). This variant is present in population databases (rs753904877, gnomAD 0.007%). This variant has not been reported in the literature in individuals affected with SLX4-related conditions. ClinVar contains an entry for this variant (Variation ID: 1481888). An algorithm developed to predict the effect of missense changes on protein structure and function (PolyPhen-2) suggests that this variant is likely to be disruptive. In summary, the available evidence is currently insufficient to determine the role of this variant in disease. Therefore, it has been classified as a Variant of Uncertain Significance.

NM_032444.4(SLX4):c.4714C>G (p.Pro1572Ala)

Gene: SLX4 (SLX4 structure-specific endonuclease subunit; minus strand). Cytogenetic location: 16p13.3.
Variant type: single nucleotide variant.
Coding change: c.4714C>G on transcript NM_032444.4 (MANE Select); coding-DNA position 4714, C replaced by G.
Protein change: p.Pro1572Ala; replaces proline 1572 with alanine.
Molecular consequence: missense variant.
Genome position (GRCh38, 1-based): chr16:3,584,794, G>C on the plus strand (C>G on the coding strand, the complement: SLX4 is on the minus strand). VCF-style: chr16-3584794-G-C. GRCh37 (hg19) VCF-style: chr16-3634795-G-C.
Other names: short protein forms P1572A.
Identifiers: ClinVar variation 1481888 (VCV001481888.8), dbSNP rs753904877, ClinGen allele CA7865542.